The following is an entry in ClinVar:

ClinVar aggregate classification (germline): Uncertain significance (1 of 4 stars; one submission).

Allele frequency attached by ClinVar (database versions not stated): ExAC 0.00006; ESP Exome Variant Server 0.00008; 1000 Genomes Project 0.00020; gnomAD exomes below 0.00001; gnomAD 0.00003; TOPMed 0.00003; 1000 Genomes Project 30x 0.00031.
gnomAD v4.1: 11 of 1,601,888 alleles (0.00069%); highest among the groups gnomAD compares: African/African-American, 0.0094%; no homozygotes.

Submission:

Athena Diagnostics
Classification: Uncertain significance. Last evaluated: 2023-06-14. Review status: criteria provided, single submitter. Criteria: Athena Diagnostics Criteria. Collection method: clinical testing. Allele origin: unknown.
Comment: Available data are insufficient to determine the clinical significance of the variant at this time. The frequency of this variant in the general population is uninformative in assessment of its pathogenicity. Computational tools yielded predictions that this variant is unlikely to have an effect on normal RNA splicing.

NM_005529.7(HSPG2):c.6871-7T>C

Genes: HSPG2 (heparan sulfate proteoglycan 2; minus strand), LOC126805655 (CDK7 strongly-dependent group 2 enhancer GRCh37_chr1:22178409-22179608; plus strand). Cytogenetic location: 1p36.12.
Variant type: single nucleotide variant.
Coding change: c.6871-7T>C on transcript NM_005529.7 (MANE Select); 7 bases into the intron before coding-DNA position 6871, T replaced by C.
Molecular consequence: intron variant.
Genome position (GRCh38, 1-based): chr1:21,851,933, A>G on the plus strand (T>C on the coding strand, the complement: HSPG2 is on the minus strand). VCF-style: chr1-21851933-A-G. GRCh37 (hg19) VCF-style: chr1-22178426-A-G.
Other names: c.6874-7T>C (NM_001291860.2).
Identifiers: ClinVar variation 2684224 (VCV002684224.1), dbSNP rs369549652, ClinGen allele CA671388.